The following is an entry in ClinVar:

NM_001134831.2(AHI1):c.1747G>T (p.Glu583Ter)

Gene: AHI1 (Abelson helper integration site 1; minus strand). Cytogenetic location: 6q23.3.
Variant type: single nucleotide variant.
Coding change: c.1747G>T on transcript NM_001134831.2 (MANE Select); coding-DNA position 1747, G replaced by T.
Protein change: p.Glu583Ter; replaces glutamic acid 583 with a stop codon.
Molecular consequence: nonsense.
Genome position (GRCh38, 1-based): chr6:135,447,040, C>A on the plus strand (G>T on the coding strand, the complement: AHI1 is on the minus strand). VCF-style: chr6-135447040-C-A. GRCh37 (hg19) VCF-style: chr6-135768178-C-A.
Other names: c.1747G>T, p.Glu583Ter (NM_001134830.2, NM_001134832.2, NM_001350503.2 and 2 more transcripts); short protein forms E583*.
Identifiers: ClinVar variation 5013120 (VCV005013120.1).
Genomic context (GRCh38, chr6:135,447,040, plus strand): 5'-ATAAATCCACTATTATCAAACACTTCACCTGCCCAGGGAGTCGTTTCCACTTTATTACTT[C>A]CTTTGACTCTTCTAATCCAGGTTCTGTGTCTACTGAGCTTGACTCATGGTGACGTTCACA-3'

ClinVar aggregate classification (germline): Pathogenic (1 of 4 stars; one submission).

Conditions:
Joubert syndrome 3 (JBTS3). Also called: AHI1-related Ciliopathy. Identifiers: Orphanet 220493, MedGen C1837713, MONDO:0012078, OMIM 608629.

Submission:

Myriad Genetics, Inc.
Classification: Pathogenic for Joubert syndrome 3. Last evaluated: 2024-05-26. Review status: criteria provided, single submitter. Criteria: Myriad Autosomal Dominant, Autosomal Recessive and X-Linked Classification Criteria (2023). Collection method: clinical testing. Allele origin: unknown.
Comment: NM_001134831.1(AHI1):c.1747G>T(E583*) is expected to be pathogenic in the context of Joubert syndrome, AHI1-related. This variant is predicted to lead to an abnormal or absent protein product due to the creation of a premature termination codon in AHI1, a gene where loss-of-function variants are known to be pathogenic. Please note: this variant was assessed in the context of healthy population screening.